The following is an entry in ClinVar:

NM_001453.3(FOXC1):c.732C>T (p.Ala244=)

Gene: FOXC1 (forkhead box C1; plus strand). Cytogenetic location: 6p25.3.
Variant type: single nucleotide variant.
Coding change: c.732C>T on transcript NM_001453.3 (MANE Select); coding-DNA position 732, C replaced by T.
Protein change: p.Ala244=; no amino-acid change (alanine 244 retained).
Molecular consequence: synonymous variant.
Genome position (GRCh38, 1-based): chr6:1,611,177, C>T. VCF-style: chr6-1611177-C-T. GRCh37 (hg19) VCF-style: chr6-1611412-C-T.
Identifiers: ClinVar variation 4084441 (VCV004084441.8).
Genomic context (GRCh38, chr6:1,611,177, plus strand): 5'-GGACATCAAGACCGAGAACGGTACGTGCCCCTCGCCGCCCCAGCCCCTGTCCCCGGCCGC[C>T]GCCCTGGGCAGCGGCAGCGCCGCCGCGGTGCCCAAGATCGAGAGCCCCGACAGCAGCAGC-3'
Protein context (NP_001444.2, residues 234-254): PSPPQPLSPA[Ala244=]ALGSGSAAAV

ClinVar aggregate classification (germline): Likely benign (1 of 4 stars; one submission).

Submission:

CeGaT Center for Human Genetics Tuebingen
Classification: Likely benign. Last evaluated: 2025-08-01. Review status: criteria provided, single submitter. Criteria: CeGaT Center For Human Genetics Tuebingen Variant Classification Criteria Version 2. Collection method: clinical testing. Allele origin: germline. Affected: yes. Observed: 1 variant allele.
Comment: FOXC1: PM2:Supporting, BP4, BP7